The following is an entry in ClinVar:

ClinVar aggregate classification (germline): Pathogenic/Likely pathogenic. Review status: criteria provided, multiple submitters, no conflicts (2 of 4 stars). 13 submissions from 13 submitters: Pathogenic (9); Likely pathogenic (3). 1 of the submissions does not count toward it. Last evaluated 2026-01-19.

Conditions:
Xeroderma pigmentosum group A (XPA). Also called: Xeroderma pigmentosum, complementation group A; XP, group A; XPA-Related Xeroderma Pigmentosum. Identifiers: Orphanet 910, MedGen C0268135, MONDO:0010210, OMIM 278700.
XPA-related disorder. Also called: XPA-related condition.

Submissions (13):

Labcorp Genetics (formerly Invitae), Labcorp
Classification: Pathogenic. Last evaluated: 2026-01-19. Review status: criteria provided, single submitter. Criteria: Invitae Variant Classification Sherloc (09022015). Collection method: clinical testing. Allele origin: germline.
Comment: This sequence change creates a premature translational stop signal (p.Arg258Tyrfs*5) in the XPA gene. While this is not anticipated to result in nonsense mediated decay, it is expected to disrupt the last 16 amino acid(s) of the XPA protein. This variant is present in population databases (rs778543124, gnomAD 0.02%). This premature translational stop signal has been observed in individual(s) with xeroderma pigmentosum (PMID: 31478152). It has also been observed to segregate with disease in related individuals. ClinVar contains an entry for this variant (Variation ID: 523608). This variant disrupts the C-terminus of the XPA protein. Other variant(s) that disrupt this region (p.Thr260Ilefs*9) have been observed in individuals with XPA-related conditions (PMID: 20574439). This suggests that this may be a clinically significant region of the protein. For these reasons, this variant has been classified as Pathogenic.

First Genomix Gene Laboratory, Genetic Diagnostics Department
Classification: Pathogenic for Xeroderma pigmentosum group A. Last evaluated: 2025-06-19. Review status: criteria provided, single submitter. Criteria: ACMG Guidelines, 2015. Collection method: clinical testing. Allele origin: germline. Inheritance: Autosomal recessive inheritance. Affected: no. Observed: 1 variant allele.

Laboratory of Genetics, Children's Clinical University Hospital Latvia
Classification: Pathogenic. Last evaluated: 2025-02-16. Review status: criteria provided, single submitter. Criteria: ACMG Guidelines, 2015. Collection method: clinical testing. Allele origin: germline. Affected: yes.

Blueprint Genetics
Classification: Likely pathogenic for XPA-related disorders. Last evaluated: 2024-10-18. Review status: criteria provided, single submitter. Criteria: ACMG Guidelines, 2015. Collection method: clinical testing. Allele origin: germline. Affected: yes. Observed: 5 variant alleles.

Baylor Genetics
Classification: Likely pathogenic for Xeroderma pigmentosum group A. Last evaluated: 2024-03-27. Review status: criteria provided, single submitter. Criteria: ACMG Guidelines, 2015. Collection method: clinical testing. Allele origin: unknown.

Fulgent Genetics
Classification: Likely pathogenic for Xeroderma pigmentosum group A. Last evaluated: 2024-02-20. Review status: criteria provided, single submitter. Criteria: ACMG Guidelines, 2015. Collection method: clinical testing. Allele origin: germline.

Laboratory of Medical Genetics, National & Kapodistrian University of Athens
Classification: Pathogenic for Xeroderma pigmentosum group A. Last evaluated: 2024-02-01. Review status: criteria provided, single submitter. Criteria: ACMG Guidelines, 2015. Collection method: curation. Allele origin: germline. Affected: no.

CeGaT Center for Human Genetics Tuebingen
Classification: Pathogenic. Last evaluated: 2023-08-01. Review status: criteria provided, single submitter. Criteria: CeGaT Center For Human Genetics Tuebingen Variant Classification Criteria Version 2. Collection method: clinical testing. Allele origin: germline. Affected: yes. Observed: 2 variant alleles.
Comment: XPA: PVS1, PM2, PM3, PP1

Institute of Human Genetics Munich, TUM University Hospital
Classification: Pathogenic for Xeroderma pigmentosum group A. Last evaluated: 2023-07-18. Review status: criteria provided, single submitter. Criteria: Classification criteria August 2017. Collection method: clinical testing. Allele origin: germline. Inheritance: Autosomal recessive inheritance. Affected: yes. Observed: 1 variant allele.

Institute for Clinical Genetics, University Hospital TU Dresden, University Hospital TU Dresden
Classification: Pathogenic. Last evaluated: 2021-11-03. Review status: criteria provided, single submitter. Criteria: ACMG Guidelines, 2015. Collection method: clinical testing. Allele origin: germline.

Institute of Medical Genetics and Applied Genomics, University Hospital Tübingen
Classification: Pathogenic. Last evaluated: 2021-02-01. Review status: criteria provided, single submitter. Criteria: ACMG Guidelines, 2015. Collection method: clinical testing. Allele origin: germline. Inheritance: Autosomal recessive inheritance. Affected: yes.

Genetic Diagnostic Laboratory, University of Szeged
Classification: Pathogenic for Xeroderma pigmentosum group A. Last evaluated: 2018-01-05. Review status: criteria provided, single submitter. Criteria: Genetic Diagnostic Assertion Criteria ver.1 Jan.2016. Collection method: clinical testing. Allele origin: paternal, germline. Affected: yes and no. Observed: 1 heterozygote, 5 compound heterozygotes. Clinical features observed: Slow saccadic eye movements (HP:0000514), Vertical supranuclear gaze palsy (HP:0000511), Dysarthria (HP:0001260), Hyporeflexia (HP:0001265), Palmomental reflex (HP:0030902), Limb dysmetria (HP:0002406), Limb ataxia (HP:0002070), Truncal ataxia (HP:0002078), Progressive gait ataxia (HP:0007240), Postural instability (HP:0002172), Postural tremor (HP:0002174), Impaired vibratory sensation (HP:0002495), and 22 more. Segregation with disease observed.

Counsyl
Classification: Likely pathogenic for Xeroderma pigmentosum group A. Last evaluated: 2017-05-17. Review status: no assertion criteria provided. Collection method: clinical testing. Allele origin: unknown. Not counted in ClinVar's aggregate classification.

Literature cited by the submitters: PubMed 31478152 (cited by Labcorp Genetics (formerly Invitae), Labcorp); PubMed 20574439 (cited by Labcorp Genetics (formerly Invitae), Labcorp and Counsyl).

NM_000380.4(XPA):c.772_785del (p.Arg258fs)

Gene: XPA (XPA, DNA damage recognition and repair factor; minus strand). Cytogenetic location: 9q22.33.
Variant type: Deletion.
Coding change: c.772_785del on transcript NM_000380.4 (MANE Select); coding-DNA positions 772 to 785, 14 bases deleted (CGTAAGACTTGTAC).
Protein change: p.Arg258fs; shifts the reading frame from arginine 258.
Molecular consequence: frameshift variant. On other transcripts: non-coding transcript variant (5).
Genome position (GRCh38, 1-based): chr9:97,675,476-97,675,489, GTACAAGTCTTACG deleted on the plus strand (CGTAAGACTTGTAC on the coding strand, the reverse complement: XPA is on the minus strand); deleting any 14 consecutive bases within chr9:97,675,476-97,675,494 gives the same sequence; the c. name uses the placement nearest the transcript's 3' end. VCF-style (leftmost placement, unchanged base first): chr9-97675475-AGTACAAGTCTTACG-A. GRCh37 (hg19) VCF-style: chr9-100437757-AGTACAAGTCTTACG-A.
Other names: c.646_659del, p.Arg216fs (NM_001354975.2); c.772_785delCGTAAGACTTGTAC (NM_000380.3, NM_000380.4); short protein forms R216fs, R258fs.
Identifiers: ClinVar variation 523608 (VCV000523608.48), dbSNP rs778543124, ClinGen allele CA5148670.